The following is an entry in ClinVar:

ClinVar aggregate classification (germline): Benign. Review status: criteria provided, multiple submitters, no conflicts (2 of 4 stars). 7 submissions from 7 submitters: Benign (7). Last evaluated 2026-05-11.

Conditions:
Achondrogenesis, type IA (ACG1A). Identifiers: Orphanet 932, Orphanet 93299, MedGen C0265273, MONDO:0008701, OMIM 200600.
Connective tissue disorder. Also called: Connective tissue disease. Identifiers: MedGen C0009782, MONDO:0003900.

Allele frequency attached by ClinVar (database versions not stated): gnomAD 0.01402 and 0.01328; 1000 Genomes Project 0.01857; gnomAD exomes 0.00344 and 0.00140; ExAC 0.00426; ESP Exome Variant Server 0.01376; 1000 Genomes Project 30x 0.01968; TOPMed 0.01506.
gnomAD v4.1: 4,192 of 1,614,124 alleles (0.26%); highest among the groups gnomAD compares: African/African-American, 4.8%; 72 homozygotes.

Submissions (7):

Women's Health and Genetics/Laboratory Corporation of America, LabCorp
Classification: Benign. Last evaluated: 2026-05-11. Review status: criteria provided, single submitter. Criteria: LabCorp Variant Classification Summary - May 2015. Collection method: clinical testing. Allele origin: germline.

Labcorp Genetics (formerly Invitae), Labcorp
Classification: Benign for Achondrogenesis, type IA. Last evaluated: 2026-02-03. Review status: criteria provided, single submitter. Criteria: Invitae Variant Classification Sherloc (09022015). Collection method: clinical testing. Allele origin: germline.

ARUP Laboratories, Molecular Genetics and Genomics, ARUP Laboratories
Classification: Benign. Last evaluated: 2023-11-06. Review status: criteria provided, single submitter. Criteria: ARUP Molecular Germline Variant Investigation Process 2024. Collection method: clinical testing. Allele origin: germline.

Genome Diagnostics Laboratory, The Hospital for Sick Children
Classification: Benign for Connective tissue disorder. Last evaluated: 2021-11-01. Review status: criteria provided, single submitter. Criteria: ACMG Guidelines, 2015. Collection method: clinical testing. Allele origin: germline.

Illumina Laboratory Services, Illumina
Classification: Benign for Achondrogenesis, type IA. Last evaluated: 2018-01-13. Review status: criteria provided, single submitter. Criteria: ICSL Variant Classification Criteria 13 December 2019. Collection method: clinical testing. Allele origin: germline.
Comment: This variant was observed in the ICSL laboratory as part of a predisposition screen in an ostensibly healthy population. It had not been previously curated by ICSL or reported in the Human Gene Mutation Database (HGMD: prior to June 1st, 2018), and was therefore a candidate for classification through an automated scoring system. Utilizing variant allele frequency, disease prevalence and penetrance estimates, and inheritance mode, an automated score was calculated to assess if this variant is too frequent to cause the disease. Based on the score and internal cut-off values, a variant classified as benign is not then subjected to further curation. The score for this variant resulted in a classification of benign for this disease.

GeneDx
Classification: Benign. Last evaluated: 2016-10-31. Review status: criteria provided, single submitter. Criteria: GeneDx Variant Classification (06012015). Collection method: clinical testing. Allele origin: germline. Affected: yes.
Comment: This variant is considered likely benign or benign based on one or more of the following criteria: it is a conservative change, it occurs at a poorly conserved position in the protein, it is predicted to be benign by multiple in silico algorithms, and/or has population frequency not consistent with disease.

Breakthrough Genomics
Classification: Benign. Review status: criteria provided, single submitter. Criteria: ACMG Guidelines, 2015. Collection method: not provided. Allele origin: germline. Inheritance: Autosomal recessive inheritance. Affected: yes.

NM_004239.4(TRIP11):c.3306T>C (p.Phe1102=)

Gene: TRIP11 (thyroid hormone receptor interactor 11; minus strand). Cytogenetic location: 14q32.12.
Variant type: single nucleotide variant.
Coding change: c.3306T>C on transcript NM_004239.4 (MANE Select); coding-DNA position 3306, T replaced by C.
Protein change: p.Phe1102=; no amino-acid change (phenylalanine 1102 retained).
Molecular consequence: synonymous variant.
Genome position (GRCh38, 1-based): chr14:92,004,670, A>G on the plus strand (T>C on the coding strand, the complement: TRIP11 is on the minus strand). VCF-style: chr14-92004670-A-G. GRCh37 (hg19) VCF-style: chr14-92471014-A-G.
Other names: c.3303T>C, p.Phe1101= (NM_001321851.1).
Identifiers: ClinVar variation 314949 (VCV000314949.27), dbSNP rs34151071, ClinGen allele CA7313650.